The following is an entry in ClinVar:

ClinVar aggregate classification (germline): Likely pathogenic (1 of 4 stars; one submission).

Conditions:
Spermatogenic failure 38. Identifiers: MedGen C5193095, MONDO:0032748, OMIM 618433.

Submission:

Juno Genomics, Hangzhou Juno Genomics, Inc
Classification: Likely pathogenic for Spermatogenic failure 38. Review status: criteria provided, single submitter. Criteria: ACMG Guidelines, 2015. Collection method: clinical testing. Allele origin: germline.
Comment: Absent from controls (or at extremely low frequency if recessive) in Genome Aggregation Database.;Null variant in a gene where loss of function (LOF) is a known mechanism of disease.

NM_032131.6(ARMC2):c.868_877delinsGTGTGTGAA (p.Cys290fs)

Gene: ARMC2 (armadillo repeat containing 2; plus strand). Cytogenetic location: 6q21.
Variant type: Indel.
Coding change: c.868_877delinsGTGTGTGAA on transcript NM_032131.6 (MANE Select); coding-DNA positions 868 to 877, TGTGCTGCTT replaced by GTGTGTGAA.
Protein change: p.Cys290fs; shifts the reading frame from cysteine 290.
Molecular consequence: frameshift variant.
Genome position (GRCh38, 1-based): chr6:108,904,250-108,904,259, TGTGCTGCTT replaced by GTGTGTGAA. VCF-style: chr6-108904250-TGTGCTGCTT-GTGTGTGAA. GRCh37 (hg19) VCF-style: chr6-109225453-TGTGCTGCTT-GTGTGTGAA.
Other names: c.373_382delinsGTGTGTGAA, p.Cys125fs (NM_001286609.2); short protein forms C125fs, C290fs.
Identifiers: ClinVar variation 5019586 (VCV005019586.2).